The following is an entry in ClinVar:

NM_001130823.3(DNMT1):c.1531T>C (p.Tyr511His)

Gene: DNMT1 (DNA methyltransferase 1; minus strand). Cytogenetic location: 19p13.2.
Variant type: single nucleotide variant.
Coding change: c.1531T>C on transcript NM_001130823.3 (MANE Select); coding-DNA position 1531, T replaced by C.
Protein change: p.Tyr511His; replaces tyrosine 511 with histidine.
Molecular consequence: missense variant.
Genome position (GRCh38, 1-based): chr19:10,155,018, A>G on the plus strand (T>C on the coding strand, the complement: DNMT1 is on the minus strand). VCF-style: chr19-10155018-A-G. GRCh37 (hg19) VCF-style: chr19-10265694-A-G.
Other names: c.1483T>C, p.Tyr495His (NM_001318730.2, NM_001379.4); c.1168T>C, p.Tyr390His (NM_001318731.2); c.1531T>C (LRG_362t1); short protein forms Y495H, Y511H, Y390H.
Identifiers: ClinVar variation 162188 (VCV000162188.5), dbSNP rs199473692, ClinGen allele CA273057.

ClinVar aggregate classification (germline): Pathogenic. Review status: criteria provided, single submitter (1 of 4 stars). 3 submissions from 3 submitters: Pathogenic (1). 2 of the submissions do not count toward it. Last evaluated 2024-04-15.

Conditions:
Hereditary sensory neuropathy-deafness-dementia syndrome. Also called: Hereditary sensory neuropathy type IE; NEUROPATHY, HEREDITARY SENSORY, WITH HEARING LOSS AND DEMENTIA; HSN IE; Hereditary Sensory and Autonomic Neuropathy Type 1E (HSAN1E). Identifiers: Orphanet 456318, MedGen C3279885, MONDO:0013584, OMIM 614116.

Submissions (3):

GeneDx
Classification: Pathogenic. Last evaluated: 2024-04-15. Review status: criteria provided, single submitter. Criteria: GeneDx Variant Classification Process June 2021. Collection method: clinical testing. Allele origin: germline. Affected: yes.
Comment: Published functional studies have shown the Y511H variant protein is mislocalized from the nucleus to the cytosol during the G2 phase, forming cytosolic aggegates that lead to early degradation and toxic cell stress (PMID: 25678562); In silico analysis supports that this missense variant has a deleterious effect on protein structure/function; Not observed at significant frequency in large population cohorts (gnomAD); This variant is associated with the following publications: (PMID: 23365052, 29187684, 25942534, 25678562, 23521649, 32754641, 33433851)

Inherited Neuropathy Consortium Ii, University Of Miami
Classification: Uncertain significance for Hereditary sensory neuropathy-deafness-dementia syndrome. Last evaluated: 2016-01-06. Review status: no assertion criteria provided. Collection method: literature only. Allele origin: germline. Affected: yes. Not counted in ClinVar's aggregate classification.

OMIM
Classification: Pathogenic for NEUROPATHY, HEREDITARY SENSORY, TYPE IE. Last evaluated: 2013-02-26. Review status: no assertion criteria provided. Collection method: literature only. Allele origin: germline. Not counted in ClinVar's aggregate classification.

Literature cited by the submitters: PubMed 23365052 (cited by Inherited Neuropathy Consortium Ii, University Of Miami and OMIM).